The following is an entry in ClinVar:

ClinVar aggregate classification (germline): Uncertain significance (1 of 4 stars; one submission).

Conditions:
Mucopolysaccharidosis, MPS-II (MPS2). Also called: IDS deficiency; Sulfoiduronate sulfatase deficiency; SIDS deficiency; Mucopolysaccharidosis with skin involvement; Attenuated MPS (subtype; formerly known as mild MPS II); Severe MPS II. Identifiers: Orphanet 580, Orphanet 79388, MedGen C0026705, MONDO:0010674, OMIM 309900.

Submission:

Labcorp Genetics (formerly Invitae), Labcorp
Classification: Uncertain significance for Mucopolysaccharidosis, MPS-II. Last evaluated: 2023-09-28. Review status: criteria provided, single submitter. Criteria: Invitae Variant Classification Sherloc (09022015). Collection method: clinical testing. Allele origin: germline.
Comment: In summary, the available evidence is currently insufficient to determine the role of this variant in disease. Therefore, it has been classified as a Variant of Uncertain Significance. Advanced modeling of protein sequence and biophysical properties (such as structural, functional, and spatial information, amino acid conservation, physicochemical variation, residue mobility, and thermodynamic stability) has been performed at Invitae for this missense variant, however the output from this modeling did not meet the statistical confidence thresholds required to predict the impact of this variant on IDS protein function. This variant has not been reported in the literature in individuals affected with IDS-related conditions. This variant is not present in population databases (gnomAD no frequency). This sequence change replaces aspartic acid, which is acidic and polar, with asparagine, which is neutral and polar, at codon 471 of the IDS protein (p.Asp471Asn).

NM_000202.8(IDS):c.1411G>A (p.Asp471Asn)

Gene: IDS (iduronate 2-sulfatase; minus strand). Cytogenetic location: Xq28.
Variant type: single nucleotide variant.
Coding change: c.1411G>A on transcript NM_000202.8 (MANE Select); coding-DNA position 1411, G replaced by A.
Protein change: p.Asp471Asn; replaces aspartic acid 471 with asparagine.
Molecular consequence: missense variant.
Genome position (GRCh38, 1-based): chrX:149,482,988, C>T on the plus strand (G>A on the coding strand, the complement: IDS is on the minus strand). VCF-style: chrX-149482988-C-T. GRCh37 (hg19) VCF-style: chrX-148564519-C-T.
Other names: c.1141G>A, p.Asp381Asn (NM_001166550.4); short protein forms D381N, D471N.
Identifiers: ClinVar variation 2743261 (VCV002743261.3), dbSNP rs2089305507, ClinGen allele CA414518158.